The following is an entry in ClinVar:

NM_007180.3(TREH):c.1671G>A (p.Gly557=)

Gene: TREH (trehalase; minus strand). Cytogenetic location: 11q23.3.
Variant type: single nucleotide variant.
Coding change: c.1671G>A on transcript NM_007180.3 (MANE Select); coding-DNA position 1671, G replaced by A.
Protein change: p.Gly557=; no amino-acid change (glycine 557 retained).
Molecular consequence: synonymous variant.
Genome position (GRCh38, 1-based): chr11:118,658,370, C>T on the plus strand (G>A on the coding strand, the complement: TREH is on the minus strand). VCF-style: chr11-118658370-C-T. GRCh37 (hg19) VCF-style: chr11-118529079-C-T.
Other names: c.1578G>A, p.Gly526= (NM_001301065.2).
Identifiers: ClinVar variation 4981207 (VCV004981207.1).

ClinVar aggregate classification (germline): Benign (1 of 4 stars; one submission).

Conditions:
TREH-related disorder. Also called: TREH-related condition.

gnomAD v4.1: 3,880 of 1,607,578 alleles (0.24%); highest among the groups gnomAD compares: East Asian, 3.7%; 56 homozygotes.

Submission:

PreventionGenetics, part of Exact Sciences
Classification: Benign for TREH-related condition. Last evaluated: 2024-12-17. Review status: criteria provided, single submitter. Criteria: ACMG Guidelines, 2015. Collection method: clinical testing. Allele origin: germline.
Comment: This variant is classified as benign based on ACMG/AMP sequence variant interpretation guidelines (Richards et al. 2015 PMID: 25741868, with internal and published modifications).